The following is an entry in ClinVar:

ClinVar aggregate classification (germline): Uncertain significance (1 of 4 stars; one submission).

gnomAD v4.1: 1 of 1,613,914 alleles (0.000062%); highest among the groups gnomAD compares: Non-Finnish European, 0.000085%; no homozygotes.

Submission:

GeneDx
Classification: Uncertain significance. Last evaluated: 2025-03-02. Review status: criteria provided, single submitter. Criteria: GeneDx Variant Classification Process June 2021. Collection method: clinical testing. Allele origin: germline. Affected: yes.
Comment: Not observed at significant frequency in large population cohorts (gnomAD); In silico analysis supports that this missense variant has a deleterious effect on protein structure/function; Has not been previously published as pathogenic or benign to our knowledge

NM_138927.4(SON):c.1325C>T (p.Ser442Phe)

Gene: SON (SON DNA and RNA binding protein; plus strand). Cytogenetic location: 21q22.11.
Variant type: single nucleotide variant.
Coding change: c.1325C>T on transcript NM_138927.4 (MANE Select); coding-DNA position 1325, C replaced by T.
Protein change: p.Ser442Phe; replaces serine 442 with phenylalanine.
Molecular consequence: missense variant. On other transcripts: non-coding transcript variant (1), intron variant (1).
Genome position (GRCh38, 1-based): chr21:33,550,556, C>T. VCF-style: chr21-33550556-C-T. GRCh37 (hg19) VCF-style: chr21-34922862-C-T.
Other names: c.1325C>T, p.Ser442Phe (NM_001291411.2, NM_032195.3); c.244+4177C>T (NM_001291412.3); short protein forms S442F.
Identifiers: ClinVar variation 4082795 (VCV004082795.1).